The following is an entry in ClinVar:

NM_000455.5(STK11):c.544C>T (p.Leu182=)

Gene: STK11 (serine/threonine kinase 11; plus strand). Cytogenetic location: 19p13.3.
Variant type: single nucleotide variant.
Coding change: c.544C>T on transcript NM_000455.5 (MANE Select); coding-DNA position 544, C replaced by T.
Protein change: p.Leu182=; no amino-acid change (leucine 182 retained).
Molecular consequence: synonymous variant.
Genome position (GRCh38, 1-based): chr19:1,220,452, C>T. VCF-style: chr19-1220452-C-T. GRCh37 (hg19) VCF-style: chr19-1220451-C-T.
Identifiers: ClinVar variation 387697 (VCV000387697.21), dbSNP rs1057522875, ClinGen allele CA089425.

ClinVar aggregate classification (germline): Benign/Likely benign. Review status: criteria provided, multiple submitters, no conflicts (2 of 4 stars). 6 submissions from 6 submitters: Benign (1); Likely benign (5). Last evaluated 2025-03-26.

Conditions:
Hereditary cancer-predisposing syndrome. Also called: Neoplastic Syndromes, Hereditary; Hereditary neoplastic syndrome; Tumor predisposition; Hereditary Cancer Syndrome. Identifiers: Orphanet 140162, MedGen C0027672, MeSH D009386, MONDO:0015356.
Peutz-Jeghers syndrome (PJS). Also called: POLYPOSIS, HAMARTOMATOUS INTESTINAL; POLYPS-AND-SPOTS SYNDROME; Peutz-Jeghers polyposis; Periorificial lentiginosis syndrome. Identifiers: Orphanet 2869, MedGen C0031269, MeSH D010580, MONDO:0008280, OMIM 175200.

Submissions (6):

Myriad Genetics, Inc.
Classification: Benign for Peutz-Jeghers syndrome. Last evaluated: 2025-03-26. Review status: criteria provided, single submitter. Criteria: Myriad Autosomal Dominant, Autosomal Recessive and X-Linked Classification Criteria (2023). Collection method: clinical testing. Allele origin: unknown.
Comment: This variant is considered benign. This variant is a silent/synonymous amino acid change and it is not expected to impact splicing.

Labcorp Genetics (formerly Invitae), Labcorp
Classification: Likely benign for Peutz-Jeghers syndrome. Last evaluated: 2025-03-05. Review status: criteria provided, single submitter. Criteria: Invitae Variant Classification Sherloc (09022015). Collection method: clinical testing. Allele origin: germline.

All of Us Research Program, National Institutes of Health
Classification: Likely benign for Peutz-Jeghers syndrome. Last evaluated: 2023-09-17. Review status: criteria provided, single submitter. Criteria: ACMG Guidelines, 2015. Collection method: clinical testing. Allele origin: germline. Inheritance: Autosomal dominant inheritance. Observed: 1 variant allele, 1 heterozygote.
Comment: This study involves interpretation of variants in research participants for the purpose of population health screening. Participant phenotype was not available at the time of variant classification. Additional details can be found in publication PMID: 35346344, PMCID: PMC8962531

Color Diagnostics, LLC DBA Color Health
Classification: Likely benign for Hereditary cancer-predisposing syndrome. Last evaluated: 2022-08-15. Review status: criteria provided, single submitter. Criteria: ACMG Guidelines, 2015. Collection method: clinical testing. Allele origin: germline.

GeneDx
Classification: Likely benign. Last evaluated: 2018-04-13. Review status: criteria provided, single submitter. Criteria: GeneDx Variant Classification Process June 2021. Collection method: clinical testing. Allele origin: germline. Affected: yes.

Ambry Genetics
Classification: Likely benign for Hereditary cancer-predisposing syndrome. Last evaluated: 2015-10-03. Review status: criteria provided, single submitter. Criteria: Ambry Variant Classification Scheme 2023. Collection method: clinical testing. Allele origin: germline.